The following is an entry in ClinVar:

GRCh37/hg19 17p12(chr17:14087934-15484358)x3

Genes: CDRT15 (CMT1A duplicated region transcript 15; minus strand), CDRT4 (CMT1A duplicated region transcript 4; minus strand), COX10 (cytochrome c oxidase assembly factor heme A:farnesyltransferase COX10; plus strand), HS3ST3B1 (heparan sulfate-glucosamine 3-sulfotransferase 3B1; plus strand), PMP22 (peripheral myelin protein 22; minus strand) and 3 more. Cytogenetic location: 17p12.
Variant type: copy number gain.
Change: copy number 3 (three copies instead of two) of chr17:14,087,934-15,484,358 (1.40 Mb, GRCh37 coordinates, 1-based), cytogenetic band 17p12.
Identifiers: ClinVar variation 1808665 (VCV001808665.1).

ClinVar aggregate classification (germline): Pathogenic (1 of 4 stars; one submission).

Submission:

Quest Diagnostics Nichols Institute San Juan Capistrano
Classification: Pathogenic. Last evaluated: 2022-05-13. Review status: criteria provided, single submitter. Criteria: ACMG/ClinGen CNV Guidelines, 2019. Collection method: clinical testing. Allele origin: unknown.
Comment: The copy number gain of 17p12 includes the PMP22 gene (OMIM 601097) and is consistent with Charcot-Marie-Tooth disease type 1A (OMIM 118220). Duplication of PMP22 accounts for 70-80% of all Charcot-Marie-Tooth neuropathy type 1 (CMT1), a demyelinating peripheral neuropathy characterized by distal muscle weakness, atrophy, sensory loss, and slow nerve conduction velocity. The penetrance of this duplication is thought to be near 100%; however, age of onset and severity of the condition are variable, and some carriers are not clinically recognized. Approximately two thirds of PMP22 duplications are inherited. See GeneReviews for additional information and references.